The following is an entry in ClinVar:

NM_033004.4(NLRP1):c.2137C>T (p.Pro713Ser)

Gene: NLRP1 (NLR family pyrin domain containing 1; minus strand). Cytogenetic location: 17p13.2.
Variant type: single nucleotide variant.
Coding change: c.2137C>T on transcript NM_033004.4 (MANE Select); coding-DNA position 2137, C replaced by T.
Protein change: p.Pro713Ser; replaces proline 713 with serine.
Molecular consequence: missense variant.
Genome position (GRCh38, 1-based): chr17:5,558,559, G>A on the plus strand (C>T on the coding strand, the complement: NLRP1 is on the minus strand). VCF-style: chr17-5558559-G-A. GRCh37 (hg19) VCF-style: chr17-5461879-G-A.
Other names: c.2137C>T, p.Pro713Ser (NM_001033053.3, NM_014922.5, NM_033006.4 and 1 more transcripts); short protein forms P713S.
Identifiers: ClinVar variation 1355386 (VCV001355386.6), dbSNP rs756095934, ClinGen allele CA8327249.

ClinVar aggregate classification (germline): Uncertain significance (1 of 4 stars; one submission).

Allele frequency attached by ClinVar (database versions not stated): gnomAD exomes below 0.00001 and 0.00001; ExAC 0.00001.
gnomAD v4.1: 2 of 1,613,942 alleles (0.00012%); highest among the groups gnomAD compares: Non-Finnish European, 0.00017%; no homozygotes.

Submission:

Labcorp Genetics (formerly Invitae), Labcorp
Classification: Uncertain significance. Last evaluated: 2023-12-22. Review status: criteria provided, single submitter. Criteria: Invitae Variant Classification Sherloc (09022015). Collection method: clinical testing. Allele origin: germline.
Comment: This sequence change replaces proline, which is neutral and non-polar, with serine, which is neutral and polar, at codon 713 of the NLRP1 protein (p.Pro713Ser). This variant is present in population databases (rs756095934, gnomAD 0.002%). This variant has not been reported in the literature in individuals affected with NLRP1-related conditions. ClinVar contains an entry for this variant (Variation ID: 1355386). Algorithms developed to predict the effect of missense changes on protein structure and function output the following: SIFT: "Not Available"; PolyPhen-2: "Benign"; Align-GVGD: "Not Available". The serine amino acid residue is found in multiple mammalian species, which suggests that this missense change does not adversely affect protein function. In summary, the available evidence is currently insufficient to determine the role of this variant in disease. Therefore, it has been classified as a Variant of Uncertain Significance.